The following is an entry in ClinVar:

ClinVar aggregate classification (germline): Benign/Likely benign. Review status: criteria provided, multiple submitters, no conflicts (2 of 4 stars). 4 submissions from 4 submitters: Benign (1); Likely benign (3). Last evaluated 2025-09-01.

Conditions:
Inborn genetic diseases. Identifiers: MedGen C0950123, MeSH D030342.
Autosomal dominant Parkinson disease 8. Also called: Parkinson disease 8, susceptibility to; LRRK2-Related Parkinson Disease; Parkinson disease 8. Identifiers: Orphanet 411602, MedGen C1846862, MONDO:0011764, OMIM 607060.

Allele frequency attached by ClinVar (database versions not stated): gnomAD exomes 0.00011 and 0.00021; TOPMed 0.00011; ExAC 0.00017; gnomAD 0.00017 and 0.00019; ESP Exome Variant Server 0.00031.
gnomAD v4.1: 202 of 1,613,290 alleles (0.013%); highest among the groups gnomAD compares: Non-Finnish European, 0.0078%; no homozygotes.

Submissions (4):

CeGaT Center for Human Genetics Tuebingen
Classification: Likely benign. Last evaluated: 2025-09-01. Review status: criteria provided, single submitter. Criteria: CeGaT Center For Human Genetics Tuebingen Variant Classification Criteria Version 2. Collection method: clinical testing. Allele origin: germline. Affected: yes. Observed: 2 variant alleles.
Comment: LRRK2: BP4, BP7

Labcorp Genetics (formerly Invitae), Labcorp
Classification: Benign for Autosomal dominant Parkinson disease 8. Last evaluated: 2025-06-20. Review status: criteria provided, single submitter. Criteria: Invitae Variant Classification Sherloc (09022015). Collection method: clinical testing. Allele origin: germline.

Ambry Genetics
Classification: Likely benign for Inborn genetic diseases. Last evaluated: 2022-02-21. Review status: criteria provided, single submitter. Criteria: Ambry Variant Classification Scheme 2023. Collection method: clinical testing. Allele origin: germline.

Illumina Laboratory Services, Illumina
Classification: Likely benign for Autosomal dominant Parkinson disease 8. Last evaluated: 2018-01-12. Review status: criteria provided, single submitter. Criteria: ICSL Variant Classification Criteria 13 December 2019. Collection method: clinical testing. Allele origin: germline.
Comment: This variant was observed in the ICSL laboratory as part of a predisposition screen in an ostensibly healthy population. It had not been previously curated by ICSL or reported in the Human Gene Mutation Database (HGMD: prior to June 1st, 2018), and was therefore a candidate for classification through an automated scoring system. Utilizing variant allele frequency, disease prevalence and penetrance estimates, and inheritance mode, an automated score was calculated to assess if this variant is too frequent to cause the disease. Based on the score and internal cut-off values, a variant classified as likely benign is not then subjected to further curation. The score for this variant resulted in a classification of likely benign for this disease.

NM_198578.4(LRRK2):c.3429C>T (p.Ser1143=)

Gene: LRRK2 (leucine rich repeat kinase 2; plus strand). Cytogenetic location: 12q12.
Variant type: single nucleotide variant.
Coding change: c.3429C>T on transcript NM_198578.4 (MANE Select); coding-DNA position 3429, C replaced by T.
Protein change: p.Ser1143=; no amino-acid change (serine 1143 retained).
Molecular consequence: synonymous variant.
Genome position (GRCh38, 1-based): chr12:40,299,190, C>T. VCF-style: chr12-40299190-C-T. GRCh37 (hg19) VCF-style: chr12-40692992-C-T.
Identifiers: ClinVar variation 308624 (VCV000308624.41), dbSNP rs142989436, ClinGen allele CA6513898.